The following is an entry in ClinVar:

ClinVar aggregate classification (germline): Uncertain significance. Review status: criteria provided, multiple submitters, no conflicts (2 of 4 stars). 2 submissions from 2 submitters: Uncertain significance (2). Last evaluated 2026-07-31.

Conditions:
CDON-related disorder. Also called: CDON-related condition.

gnomAD v4.1: 1 of 1,614,022 alleles (0.000062%); highest among the groups gnomAD compares: Non-Finnish European, 0.000085%; no homozygotes.

Submissions (2):

PreventionGenetics, part of Exact Sciences
Classification: Uncertain significance for CDON-related condition. Last evaluated: 2026-07-31. Review status: criteria provided, single submitter. Criteria: ACMG Guidelines, 2015. Collection method: clinical testing. Allele origin: germline.
Comment: The CDON c.3199G>T variant is predicted to result in premature protein termination (p.Gly1067*). This variant has been reported in an individual with holoprosencephaly (Supplemental Table, Roessler et al 2018. PubMed ID: 29992659). This variant has not been reported in a large population database (gnomAD), indicating this variant is rare. Although we suspect that this variant may be pathogenic, at this time, the clinical significance of this variant is uncertain due to the absence of conclusive functional and genetic evidence.

GeneDx
Classification: Uncertain significance. Last evaluated: 2025-02-13. Review status: criteria provided, single submitter. Criteria: GeneDx Variant Classification Process June 2021. Collection method: clinical testing. Allele origin: germline. Affected: yes.
Comment: Reported in a patient with holoprosencephaly in the published literature who also had variants in other genes that may have been responsible for the phenotype (PMID: 29992659); Not observed at significant frequency in large population cohorts (gnomAD); Nonsense variant predicted to result in protein truncation or nonsense mediated decay in a gene or region of a gene for which loss of function is not a well-established mechanism of disease; This variant is associated with the following publications: (PMID: 29992659)

NM_001378964.1(CDON):c.3199G>T (p.Gly1067Ter)

Gene: CDON (cell adhesion associated, oncogene regulated; minus strand). Cytogenetic location: 11q24.2.
Variant type: single nucleotide variant.
Coding change: c.3199G>T on transcript NM_001378964.1 (MANE Select); coding-DNA position 3199, G replaced by T.
Protein change: p.Gly1067Ter; replaces glycine 1067 with a stop codon.
Molecular consequence: nonsense.
Genome position (GRCh38, 1-based): chr11:125,981,126, C>A on the plus strand (G>T on the coding strand, the complement: CDON is on the minus strand). VCF-style: chr11-125981126-C-A. GRCh37 (hg19) VCF-style: chr11-125851021-C-A.
Other names: c.3199G>T, p.Gly1067Ter (NM_001243597.3, NM_016952.6); short protein forms G1067*.
Identifiers: ClinVar variation 3354646 (VCV003354646.3).